The following is an entry in ClinVar:

ClinVar aggregate classification (germline): Uncertain significance (1 of 4 stars; one submission).

Submission:

Labcorp Genetics (formerly Invitae), Labcorp
Classification: Uncertain significance. Last evaluated: 2025-03-28. Review status: criteria provided, single submitter. Criteria: Invitae Variant Classification Sherloc (09022015). Collection method: clinical testing. Allele origin: germline.
Comment: This sequence change replaces aspartic acid, which is acidic and polar, with tyrosine, which is neutral and polar, at codon 3 of the MYO6 protein (p.Asp3Tyr). This variant is present in population databases (no rsID available, gnomAD 0.0009%). This variant has not been reported in the literature in individuals affected with MYO6-related conditions. Invitae Evidence Modeling of protein sequence and biophysical properties (such as structural, functional, and spatial information, amino acid conservation, physicochemical variation, residue mobility, and thermodynamic stability) indicates that this missense variant is not expected to disrupt MYO6 protein function with a negative predictive value of 80%. In summary, the available evidence is currently insufficient to determine the role of this variant in disease. Therefore, it has been classified as a Variant of Uncertain Significance.

NM_004999.4(MYO6):c.7G>T (p.Asp3Tyr)

Gene: MYO6 (myosin VI; plus strand). Cytogenetic location: 6q14.1.
Variant type: single nucleotide variant.
Coding change: c.7G>T on transcript NM_004999.4 (MANE Select); coding-DNA position 7, G replaced by T.
Protein change: p.Asp3Tyr; replaces aspartic acid 3 with tyrosine.
Molecular consequence: missense variant. On other transcripts: non-coding transcript variant (2).
Genome position (GRCh38, 1-based): chr6:75,817,554, G>T. VCF-style: chr6-75817554-G-T. GRCh37 (hg19) VCF-style: chr6-76527271-G-T.
Other names: c.7G>T, p.Asp3Tyr (NM_001300899.2, NM_001368136.1, NM_001368137.1 and 5 more transcripts); short protein forms D3Y.
Identifiers: ClinVar variation 4742680 (VCV004742680.1).